The following is an entry in ClinVar:

ClinVar aggregate classification (germline): Uncertain significance. Review status: criteria provided, multiple submitters, no conflicts (2 of 4 stars). 4 submissions from 4 submitters: Uncertain significance (4). Last evaluated 2025-08-29.

Conditions:
Inborn genetic diseases. Identifiers: MedGen C0950123, MeSH D030342.
Combined immunodeficiency due to DOCK8 deficiency (HIES2). Also called: HIES autosomal recessive; Hyper-IgE recurrent infection syndrome, autosomal recessive; HYPER-IgE SYNDROME 2, AUTOSOMAL RECESSIVE, WITH RECURRENT INFECTIONS; DOCK8 Deficiency; HYPER-IgE RECURRENT INFECTION SYNDROME 2, AUTOSOMAL RECESSIVE. Identifiers: Orphanet 217390, MedGen C4722305, MONDO:0009478, OMIM 243700.

Allele frequency attached by ClinVar (database versions not stated): ExAC 0.00005; gnomAD exomes 0.00005 and 0.00010; TOPMed 0.00008; gnomAD 0.00009 and 0.00010; ESP Exome Variant Server 0.00015.
gnomAD v4.1: 165 of 1,604,040 alleles (0.01%); highest among the groups gnomAD compares: Non-Finnish European, 0.013%; no homozygotes.

Submissions (4):

Mayo Clinic Laboratories, Mayo Clinic
Classification: Uncertain significance. Last evaluated: 2025-08-29. Review status: criteria provided, single submitter. Criteria: ACMG Guidelines, 2015. Collection method: clinical testing. Allele origin: germline. Observed: 1 variant allele.
Comment: BP4

Labcorp Genetics (formerly Invitae), Labcorp
Classification: Uncertain significance for Combined immunodeficiency due to DOCK8 deficiency. Last evaluated: 2022-06-13. Review status: criteria provided, single submitter. Criteria: Invitae Variant Classification Sherloc (09022015). Collection method: clinical testing. Allele origin: germline.
Comment: This sequence change replaces lysine, which is basic and polar, with arginine, which is basic and polar, at codon 798 of the DOCK8 protein (p.Lys798Arg). This variant is present in population databases (rs140546511, gnomAD 0.01%). This variant has not been reported in the literature in individuals affected with DOCK8-related conditions. ClinVar contains an entry for this variant (Variation ID: 914568). Algorithms developed to predict the effect of missense changes on protein structure and function are either unavailable or do not agree on the potential impact of this missense change (SIFT: "Tolerated"; PolyPhen-2: "Probably Damaging"; Align-GVGD: "Class C0"). Algorithms developed to predict the effect of sequence changes on RNA splicing suggest that this variant may create or strengthen a splice site. In summary, the available evidence is currently insufficient to determine the role of this variant in disease. Therefore, it has been classified as a Variant of Uncertain Significance.

Ambry Genetics
Classification: Uncertain significance for Inborn genetic diseases. Last evaluated: 2022-04-22. Review status: criteria provided, single submitter. Criteria: Ambry Variant Classification Scheme 2023. Collection method: clinical testing. Allele origin: germline.

Illumina Laboratory Services, Illumina
Classification: Uncertain significance for Combined immunodeficiency due to DOCK8 deficiency. Last evaluated: 2018-01-12. Review status: criteria provided, single submitter. Criteria: ICSL Variant Classification Criteria 13 December 2019. Collection method: clinical testing. Allele origin: germline.

NM_203447.4(DOCK8):c.2393A>G (p.Lys798Arg)

Gene: DOCK8 (dedicator of cytokinesis 8; plus strand). Cytogenetic location: 9p24.3.
Variant type: single nucleotide variant.
Coding change: c.2393A>G on transcript NM_203447.4 (MANE Select); coding-DNA position 2393, A replaced by G.
Protein change: p.Lys798Arg; replaces lysine 798 with arginine.
Molecular consequence: missense variant.
Genome position (GRCh38, 1-based): chr9:377,164, A>G. VCF-style: chr9-377164-A-G. GRCh37 (hg19) VCF-style: chr9-377164-A-G.
Other names: p.Lys798Arg; c.2189A>G, p.Lys730Arg (NM_001190458.2, NM_001193536.2); short protein forms K730R, K798R.
Identifiers: ClinVar variation 914568 (VCV000914568.10), dbSNP rs140546511, ClinGen allele CA4958179.